The following is an entry in ClinVar:

ClinVar aggregate classification (germline): Conflicting classifications of pathogenicity. Review status: criteria provided, conflicting classifications (1 of 4 stars). 5 submissions from 3 submitters: Uncertain significance (2); Benign (1); Likely benign (1). 1 of the submissions does not count toward it. Last evaluated 2025-03-10.

Conditions:
Corticosterone methyloxidase type 2 deficiency. Also called: STEROID 18-OXIDASE DEFICIENCY; 18-OXIDASE DEFICIENCY; ALDOSTERONE DEFICIENCY DUE TO DEFICIENCY OF STEROID 18-OXIDASE; ALDOSTERONE DEFICIENCY II; CMO II DEFICIENCY. Identifiers: Orphanet 427, MedGen C3463917, MONDO:0012524, OMIM 610600. Disease mechanism: loss of function.
Corticosterone 18-monooxygenase deficiency. Also called: ALDOSTERONE DEFICIENCY DUE TO DEFECT IN STEROID 18-HYDROXYLASE; ALDOSTERONE DEFICIENCY I; CMO I DEFICIENCY; STEROID 18-HYDROXYLASE DEFICIENCY; 18 Hydroxylase deficiency; Aldosterone deficiency due to defect in 18 hydroxylase. Identifiers: Orphanet 427, MedGen C0268293, MONDO:0008751, OMIM 203400. Disease mechanism: loss of function.
Glucocorticoid-remediable aldosteronism. Also called: Hyperaldosteronism, familial, type I; FH I; GLUCOCORTICOID-SUPPRESSIBLE HYPERALDOSTERONISM; ACTH-DEPENDENT HYPERALDOSTERONISM SYNDROME; ALDOSTERONISM, SENSITIVE TO DEXAMETHASONE. Identifiers: Orphanet 403, MedGen C3838731, MONDO:0007080, OMIM 103900.

Allele frequency attached by ClinVar (database versions not stated): gnomAD 0.00003 and 0.00004; TOPMed 0.00003; gnomAD exomes 0.00005; ExAC 0.00008.
gnomAD v4.1: 26 of 1,613,708 alleles (0.0016%); highest among the groups gnomAD compares: East Asian, 0.027%; no homozygotes.

Submissions (5):

Labcorp Genetics (formerly Invitae), Labcorp
Classification: Likely benign. Last evaluated: 2025-03-10. Review status: criteria provided, single submitter. Criteria: Invitae Variant Classification Sherloc (09022015). Collection method: clinical testing. Allele origin: germline.

Illumina Laboratory Services, Illumina
Classification: Uncertain significance for Corticosterone methyloxidase type 2 deficiency. Last evaluated: 2017-04-27. Review status: criteria provided, single submitter. Criteria: ICSL Variant Classification Criteria 13 December 2019. Collection method: clinical testing. Allele origin: germline.

Illumina Laboratory Services, Illumina
Classification: Benign for Hyperaldosteronism, familial, type I. Last evaluated: 2017-04-27. Review status: criteria provided, single submitter. Criteria: ICSL Variant Classification Criteria 13 December 2019. Collection method: clinical testing. Allele origin: germline.
Comment: This variant was observed as part of a predisposition screen in an ostensibly healthy population. A literature search was performed for the gene, cDNA change, and amino acid change (where applicable). No publications were found based on this search. Allele frequency data from public databases was too high to be consistent with this variant causing disease. Therefore, this variant is classified as benign.

Illumina Laboratory Services, Illumina
Classification: Uncertain significance for Corticosterone 18-monooxygenase deficiency. Last evaluated: 2017-04-27. Review status: criteria provided, single submitter. Criteria: ICSL Variant Classification Criteria 13 December 2019. Collection method: clinical testing. Allele origin: germline.
Comment: This variant was observed as part of a predisposition screen in an ostensibly healthy population. A literature search was performed for the gene, cDNA change, and amino acid change (where applicable). Publications were found based on this search. However, the evidence from the literature, in combination with allele frequency data from public databases where available, was not sufficient to rule this variant in or out of causing disease. Therefore, this variant is classified as a variant of unknown significance.

Natera, Inc.
Classification: Uncertain significance for Corticosterone 18-monooxygenase deficiency. Last evaluated: 2020-01-24. Review status: no assertion criteria provided. Collection method: clinical testing. Allele origin: germline. Not counted in ClinVar's aggregate classification.

Literature cited by the submitters: PubMed 11549691 (cited by Illumina Laboratory Services, Illumina).

NM_000498.3(CYP11B2):c.1086G>C (p.Leu362=)

Genes: CYP11B2 (cytochrome P450 family 11 subfamily B member 2; minus strand), LOC106799834 (CYP11B2 recombination region; plus strand). Cytogenetic location: 8q24.3.
Variant type: single nucleotide variant.
Coding change: c.1086G>C on transcript NM_000498.3 (MANE Select); coding-DNA position 1086, G replaced by C.
Protein change: p.Leu362=; no amino-acid change (leucine 362 retained).
Molecular consequence: synonymous variant.
Genome position (GRCh38, 1-based): chr8:142,913,320, C>G on the plus strand (G>C on the coding strand, the complement: CYP11B2 is on the minus strand). VCF-style: chr8-142913320-C-G. GRCh37 (hg19) VCF-style: chr8-143994736-C-G.
Identifiers: ClinVar variation 795339 (VCV000795339.16), dbSNP rs763197267, ClinGen allele CA4905946.